The following is an entry in ClinVar:

ClinVar aggregate classification (germline): Uncertain significance (1 of 4 stars; one submission).

Conditions:
Malignant hyperthermia, susceptibility to, 5 (MHS5). Also called: CACNA1S-Related Malignant Hyperthermia Susceptibility. Identifiers: Orphanet 423, MedGen C1866077, MONDO:0011163, OMIM 601887.

Submission:

All of Us Research Program, National Institutes of Health
Classification: Uncertain significance for Malignant hyperthermia, susceptibility to, 5. Last evaluated: 2023-05-16. Review status: criteria provided, single submitter. Criteria: ACMG Guidelines, 2015. Collection method: clinical testing. Allele origin: germline. Inheritance: Autosomal dominant inheritance. Observed: 1 variant allele, 1 heterozygote.
Comment: This missense variant replaces proline with threonine at codon 244 of the CACNA1S protein. Computational prediction suggests that this variant may have deleterious impact on protein structure and function (internally defined REVEL score threshold >= 0.7, PMID: 27666373). To our knowledge, functional studies have not been reported for this variant. This variant has not been reported in individuals affected with CACNA1S-related disorders in the literature. This variant has not been identified in the general population by the Genome Aggregation Database (gnomAD). The available evidence is insufficient to determine the role of this variant in disease conclusively. Therefore, this variant is classified as a Variant of Uncertain Significance.

This study involves interpretation of variants in research participants for the purpose of population health screening. Participant phenotype was not available at the time of variant classification. Additional details can be found in publication PMID: 35346344, PMCID: PMC8962531

NM_000069.3(CACNA1S):c.730C>A (p.Pro244Thr)

Gene: CACNA1S (calcium voltage-gated channel subunit alpha1 S; minus strand). Cytogenetic location: 1q32.1.
Variant type: single nucleotide variant.
Coding change: c.730C>A on transcript NM_000069.3 (MANE Select); coding-DNA position 730, C replaced by A.
Protein change: p.Pro244Thr; replaces proline 244 with threonine.
Molecular consequence: missense variant.
Genome position (GRCh38, 1-based): chr1:201,089,428, G>T on the plus strand (C>A on the coding strand, the complement: CACNA1S is on the minus strand). VCF-style: chr1-201089428-G-T. GRCh37 (hg19) VCF-style: chr1-201058556-G-T.
Other names: short protein forms P244T.
Identifiers: ClinVar variation 3071256 (VCV003071256.1), dbSNP rs2102160639, ClinGen allele CA344136675.